The following is an entry in ClinVar:

ClinVar aggregate classification (germline): Uncertain significance. Review status: criteria provided, multiple submitters, no conflicts (2 of 4 stars). 2 submissions from 2 submitters: Uncertain significance (2). Last evaluated 2026-01-30.

gnomAD v4.1: 1 of 1,613,968 alleles (0.000062%); highest among the groups gnomAD compares: Non-Finnish European, 0.000085%; no homozygotes.

Submissions (2):

GeneDx
Classification: Uncertain significance. Last evaluated: 2026-01-30. Review status: criteria provided, single submitter. Criteria: GeneDx Variant Classification Process June 2021. Collection method: clinical testing. Allele origin: germline.
Comment: Not observed at significant frequency in large population cohorts (gnomAD); In silico analysis suggests that this missense variant does not alter protein structure/function; Has not been previously published as pathogenic or benign to our knowledge

Labcorp Genetics (formerly Invitae), Labcorp
Classification: Uncertain significance. Last evaluated: 2023-10-16. Review status: criteria provided, single submitter. Criteria: Invitae Variant Classification Sherloc (09022015). Collection method: clinical testing. Allele origin: germline.
Comment: This sequence change replaces phenylalanine, which is neutral and non-polar, with leucine, which is neutral and non-polar, at codon 2519 of the ADGRV1 protein (p.Phe2519Leu). This variant is not present in population databases (gnomAD no frequency). This variant has not been reported in the literature in individuals affected with ADGRV1-related conditions. ClinVar contains an entry for this variant (Variation ID: 1379180). Advanced modeling of protein sequence and biophysical properties (such as structural, functional, and spatial information, amino acid conservation, physicochemical variation, residue mobility, and thermodynamic stability) performed at Invitae indicates that this missense variant is not expected to disrupt ADGRV1 protein function. In summary, the available evidence is currently insufficient to determine the role of this variant in disease. Therefore, it has been classified as a Variant of Uncertain Significance.

NM_032119.4(ADGRV1):c.7555T>C (p.Phe2519Leu)

Gene: ADGRV1 (adhesion G protein-coupled receptor V1; plus strand). Cytogenetic location: 5q14.3.
Variant type: single nucleotide variant.
Coding change: c.7555T>C on transcript NM_032119.4 (MANE Select); coding-DNA position 7555, T replaced by C.
Protein change: p.Phe2519Leu; replaces phenylalanine 2519 with leucine.
Molecular consequence: missense variant. On other transcripts: non-coding transcript variant (1).
Genome position (GRCh38, 1-based): chr5:90,694,311, T>C. VCF-style: chr5-90694311-T-C. GRCh37 (hg19) VCF-style: chr5-89990128-T-C.
Other names: c.7555T>C (NM_032119.3); short protein forms F2519L.
Identifiers: ClinVar variation 1379180 (VCV001379180.7), dbSNP rs2149641747, ClinGen allele CA360379339.
Genomic context (GRCh38, chr5:90,694,311, plus strand): 5'-GCTGGGAGTGACTATGAGCCTGTGACAAGGCAATGGGCCATAATGCAGGAAGGTGATGAA[T>C]TCGCAAATCTCACAGTGTCTATTCTTCCTGATGATTTCCCAGAGATGGATGAGAGTTTTC-3'
Protein context (NP_115495.3, residues 2509-2529): QWAIMQEGDE[Phe2519Leu]ANLTVSILPD